The following is an entry in ClinVar:

NM_001082486.1(ACD):c.152T>C (p.Leu51Pro)

Genes: ACD (ACD shelterin complex subunit and telomerase recruitment factor; minus strand), LOC130059224 (ATAC-STARR-seq lymphoblastoid silent region 7617; plus strand). Cytogenetic location: 16q22.1.
Variant type: single nucleotide variant.
Coding change: c.152T>C on transcript NM_001082486.1; coding-DNA position 152, T replaced by C.
Protein change: p.Leu51Pro; replaces leucine 51 with proline.
Genome position (GRCh38, 1-based): chr16:67,660,327, A>G on the plus strand (T>C on the coding strand, the complement: ACD is on the minus strand). VCF-style: chr16-67660327-A-G. GRCh37 (hg19) VCF-style: chr16-67694230-A-G.
Other names: short protein forms L51P.
Identifiers: ClinVar variation 1774600 (VCV001774600.3), dbSNP rs2543612551, ClinGen allele CA396359585.

ClinVar aggregate classification (germline): Uncertain significance (1 of 4 stars; one submission).

Conditions:
Inborn genetic diseases. Identifiers: MedGen C0950123, MeSH D030342.

Allele frequency attached by ClinVar (database versions not stated): gnomAD exomes below 0.00001.

Submission:

Ambry Genetics
Classification: Uncertain significance for Inborn genetic diseases. Last evaluated: 2024-09-13. Review status: criteria provided, single submitter. Criteria: Ambry Variant Classification Scheme 2023. Collection method: clinical testing. Allele origin: germline.
Comment: The p.L51P variant (also known as c.152T>C), located in coding exon 1 of the ACD gene, results from a T to C substitution at nucleotide position 152. The leucine at codon 51 is replaced by proline, an amino acid with similar properties. This amino acid position is conserved. In addition, this alteration is predicted to be tolerated by in silico analysis. Since supporting evidence is limited at this time, the clinical significance of this alteration remains unclear.